The following is an entry in ClinVar:

NM_006267.5(RANBP2):c.3380G>A (p.Arg1127Gln)

Gene: RANBP2 (RAN binding protein 2; plus strand). Cytogenetic location: 2q13.
Variant type: single nucleotide variant.
Coding change: c.3380G>A on transcript NM_006267.5 (MANE Select); coding-DNA position 3380, G replaced by A.
Protein change: p.Arg1127Gln; replaces arginine 1127 with glutamine.
Molecular consequence: missense variant.
Genome position (GRCh38, 1-based): chr2:108,763,919, G>A. VCF-style: chr2-108763919-G-A. GRCh37 (hg19) VCF-style: chr2-109380375-G-A.
Other names: short protein forms R1127Q.
Identifiers: ClinVar variation 664635 (VCV000664635.7), dbSNP rs531942994, ClinGen allele CA1822933.

ClinVar aggregate classification (germline): Uncertain significance (1 of 4 stars; one submission).

Conditions:
Familial acute necrotizing encephalopathy (IIAE3). Also called: Susceptibility to Acute Necrotizing Encephalopathy 1; ENCEPHALOPATHY, ACUTE, INFECTION-INDUCED, SUSCEPTIBILITY TO, 3. Identifiers: Orphanet 88619, MedGen C2675556, MONDO:0011953, OMIM 608033.

Allele frequency attached by ClinVar (database versions not stated): gnomAD 0.00001; TOPMed 0.00002.
gnomAD v4.1: 66 of 1,613,768 alleles (0.0041%); highest among the groups gnomAD compares: South Asian, 0.0055%; no homozygotes.

Submission:

Labcorp Genetics (formerly Invitae), Labcorp
Classification: Uncertain significance for Familial acute necrotizing encephalopathy. Last evaluated: 2021-09-02. Review status: criteria provided, single submitter. Criteria: Invitae Variant Classification Sherloc (09022015). Collection method: clinical testing. Allele origin: germline.
Comment: This sequence change replaces arginine with glutamine at codon 1127 of the RANBP2 protein (p.Arg1127Gln). The arginine residue is highly conserved and there is a small physicochemical difference between arginine and glutamine. This variant is present in population databases (rs531942994, ExAC 0.006%). This variant has not been reported in the literature in individuals affected with RANBP2-related conditions. Algorithms developed to predict the effect of missense changes on protein structure and function output the following: SIFT: "Deleterious"; PolyPhen-2: "Benign"; Align-GVGD: "Class C35". The glutamine amino acid residue is found in multiple mammalian species, which suggests that this missense change does not adversely affect protein function. In summary, the available evidence is currently insufficient to determine the role of this variant in disease. Therefore, it has been classified as a Variant of Uncertain Significance.